The following is an entry in ClinVar:

NM_000217.3(KCNA1):c.928A>G (p.Lys310Glu)

Gene: KCNA1 (potassium voltage-gated channel subfamily A member 1; plus strand). Cytogenetic location: 12p13.32.
Variant type: single nucleotide variant.
Coding change: c.928A>G on transcript NM_000217.3 (MANE Select); coding-DNA position 928, A replaced by G.
Protein change: p.Lys310Glu; replaces lysine 310 with glutamic acid.
Molecular consequence: missense variant.
Genome position (GRCh38, 1-based): chr12:4,912,306, A>G. VCF-style: chr12-4912306-A-G. GRCh37 (hg19) VCF-style: chr12-5021472-A-G.
Other names: short protein forms K310E.
Identifiers: ClinVar variation 1387866 (VCV001387866.6), dbSNP rs2137673741, ClinGen allele CA383455648.

ClinVar aggregate classification (germline): Uncertain significance (1 of 4 stars; one submission).

Conditions:
Episodic ataxia type 1 (EA1). Also called: ATAXIA, EPISODIC, WITH MYOKYMIA; MYOKYMIA WITH PERIODIC ATAXIA; PAROXYSMAL ATAXIA WITH NEUROMYOTONIA, HEREDITARY; Episodic ataxia/myokymia syndrome. Identifiers: Orphanet 37612, Orphanet 972, MedGen C1719788, MONDO:0008047, OMIM 160120.

Submission:

Labcorp Genetics (formerly Invitae), Labcorp
Classification: Uncertain significance for Episodic ataxia type 1. Last evaluated: 2021-11-25. Review status: criteria provided, single submitter. Criteria: Invitae Variant Classification Sherloc (09022015). Collection method: clinical testing. Allele origin: germline.
Comment: This variant has not been reported in the literature in individuals affected with KCNA1-related conditions. This sequence change replaces lysine, which is basic and polar, with glutamic acid, which is acidic and polar, at codon 310 of the KCNA1 protein (p.Lys310Glu). This variant is not present in population databases (gnomAD no frequency). Advanced modeling of protein sequence and biophysical properties (such as structural, functional, and spatial information, amino acid conservation, physicochemical variation, residue mobility, and thermodynamic stability) performed at Invitae indicates that this missense variant is expected to disrupt KCNA1 protein function. In summary, the available evidence is currently insufficient to determine the role of this variant in disease. Therefore, it has been classified as a Variant of Uncertain Significance.